The following is an entry in ClinVar:

ClinVar aggregate classification (germline): Uncertain significance. Review status: criteria provided, multiple submitters, no conflicts (2 of 4 stars). 5 submissions from 5 submitters: Uncertain significance (5). Last evaluated 2026-01-26.

Conditions:
Mevalonic aciduria (MEVA). Identifiers: Orphanet 29, MedGen C1959626, MONDO:0012481, OMIM 610377.
Hyperimmunoglobulin D with periodic fever (HIDS). Also called: HYPERIMMUNOGLOBULINEMIA D AND PERIODIC FEVER SYNDROME; Hyperimmunoglobulinemia D; Hyperimmunoglobulinemia D with periodic fever. Identifiers: Orphanet 343, MedGen C0398691, MONDO:0009849, OMIM 260920.
Porokeratosis 3, disseminated superficial actinic type (POROK3). Also called: POROKERATOSIS, DISSEMINATED SUPERFICIAL ACTINIC, 1; POROKERATOSIS 3, MULTIPLE TYPES; POROKERATOSIS 3, MIBELLI TYPE. Identifiers: MedGen C1867981, MONDO:0008293, OMIM 175900.
Autoinflammatory syndrome. Identifiers: Orphanet 93665, MedGen C3890737, MONDO:0019751.

Allele frequency attached by ClinVar (database versions not stated): ExAC 0.00001; gnomAD exomes 0.00001 and 0.00003; gnomAD 0.00003; TOPMed 0.00005; ESP Exome Variant Server 0.00008.
gnomAD v4.1: 48 of 1,614,066 alleles (0.003%); highest among the groups gnomAD compares: African/African-American, 0.0053%; no homozygotes.

Submissions (5):

Labcorp Genetics (formerly Invitae), Labcorp
Classification: Uncertain significance for Mevalonic aciduria; Hyperimmunoglobulin D with periodic fever; Porokeratosis 3, disseminated superficial actinic type. Last evaluated: 2026-01-26. Review status: criteria provided, single submitter. Criteria: Invitae Variant Classification Sherloc (09022015). Collection method: clinical testing. Allele origin: germline.
Comment: This sequence change replaces arginine, which is basic and polar, with histidine, which is basic and polar, at codon 325 of the MVK protein (p.Arg325His). This variant is present in population databases (rs374686559, gnomAD 0.003%). This variant has not been reported in the literature in individuals affected with MVK-related conditions. ClinVar contains an entry for this variant (Variation ID: 811328). Invitae Evidence Modeling of protein sequence and biophysical properties (such as structural, functional, and spatial information, amino acid conservation, physicochemical variation, residue mobility, and thermodynamic stability) indicates that this missense variant is not expected to disrupt MVK protein function with a negative predictive value of 95%. In summary, the available evidence is currently insufficient to determine the role of this variant in disease. Therefore, it has been classified as a Variant of Uncertain Significance.

Blueprint Genetics
Classification: Uncertain significance. Last evaluated: 2024-10-30. Review status: criteria provided, single submitter. Criteria: ACMG Guidelines, 2015. Collection method: clinical testing. Allele origin: germline.

Fulgent Genetics
Classification: Uncertain significance for Porokeratosis 3, disseminated superficial actinic type; Hyperimmunoglobulin D with periodic fever; Mevalonic aciduria. Last evaluated: 2024-04-20. Review status: criteria provided, single submitter. Criteria: ACMG Guidelines, 2015. Collection method: clinical testing. Allele origin: germline.

Genome Diagnostics Laboratory, The Hospital for Sick Children
Classification: Uncertain significance for Autoinflammatory syndrome. Last evaluated: 2021-02-23. Review status: criteria provided, single submitter. Criteria: ACMG Guidelines, 2015. Collection method: clinical testing. Allele origin: germline. Affected: yes.

ARUP Laboratories, Molecular Genetics and Genomics, ARUP Laboratories
Classification: Uncertain significance. Last evaluated: 2019-03-12. Review status: criteria provided, single submitter. Criteria: ARUP Molecular Germline Variant Investigation Process. Collection method: clinical testing. Allele origin: germline.
Comment: The MVK c.974G>A; p.Arg325His variant (rs374686559), to our knowledge, is not reported in the medical literature or gene-specific databases. The variant is found in the general population with an allele frequency of 0.001% (3/251302 alleles) in the Genome Aggregation Database. The amino acid at this position is weakly conserved and computational algorithms predict this variant is tolerated. Due to limited information, the clinical significance of the variant is uncertain at this time.

NM_000431.4(MVK):c.974G>A (p.Arg325His)

Gene: MVK (mevalonate kinase; plus strand). Cytogenetic location: 12q24.11.
Variant type: single nucleotide variant.
Coding change: c.974G>A on transcript NM_000431.4 (MANE Select); coding-DNA position 974, G replaced by A.
Protein change: p.Arg325His; replaces arginine 325 with histidine.
Molecular consequence: missense variant.
Genome position (GRCh38, 1-based): chr12:109,595,116, G>A. VCF-style: chr12-109595116-G-A. GRCh37 (hg19) VCF-style: chr12-110032921-G-A.
Other names: c.974G>A, p.Arg325His (NM_001114185.3); c.818G>A, p.Arg273His (NM_001301182.2); short protein forms R273H, R325H.
Identifiers: ClinVar variation 811328 (VCV000811328.20), dbSNP rs374686559, ClinGen allele CA6779425.